The following is an entry in ClinVar:

NM_025009.5(CEP135):c.2992A>G (p.Lys998Glu)

Gene: CEP135 (centrosomal protein 135; plus strand). Cytogenetic location: 4q12.
Variant type: single nucleotide variant.
Coding change: c.2992A>G on transcript NM_025009.5 (MANE Select); coding-DNA position 2992, A replaced by G.
Protein change: p.Lys998Glu; replaces lysine 998 with glutamic acid.
Molecular consequence: missense variant.
Genome position (GRCh38, 1-based): chr4:56,017,837, A>G. VCF-style: chr4-56017837-A-G. GRCh37 (hg19) VCF-style: chr4-56884003-A-G.
Other names: c.2992A>G (NM_025009.3); short protein forms K998E.
Identifiers: ClinVar variation 1442499 (VCV001442499.6), dbSNP rs200398340, ClinGen allele CA2928303.
Genomic context (GRCh38, chr4:56,017,837, plus strand): 5'-AGAGAACTTTGCATTAAACTTGATTCAGGCAAAGATATTATGACCCAGCAATTGAATTCG[A>G]AAAACCTTGAGTTTGAGAGGGTAAGAAAGATAAATTGTCTTGGCACATTGTTTTATTGAG-3'
Protein context (NP_079285.2, residues 988-1008): KDIMTQQLNS[Lys998Glu]NLEFERVVVE

ClinVar aggregate classification (germline): Uncertain significance. Review status: criteria provided, multiple submitters, no conflicts (2 of 4 stars). 2 submissions from 2 submitters: Uncertain significance (2). Last evaluated 2023-12-22.

Conditions:
Inborn genetic diseases. Identifiers: MedGen C0950123, MeSH D030342.

Allele frequency attached by ClinVar (database versions not stated): gnomAD exomes below 0.00001 and 0.00001; ExAC 0.00002; gnomAD 0.00004 and 0.00005; TOPMed 0.00013; 1000 Genomes Project 0.00020; 1000 Genomes Project 30x 0.00031.
gnomAD v4.1: 18 of 1,612,722 alleles (0.0011%); highest among the groups gnomAD compares: Admixed American, 0.02%; no homozygotes.

Submissions (2):

Ambry Genetics
Classification: Uncertain significance for Inborn genetic diseases. Last evaluated: 2023-12-22. Review status: criteria provided, single submitter. Criteria: Ambry Variant Classification Scheme 2023. Collection method: clinical testing. Allele origin: germline.

Labcorp Genetics (formerly Invitae), Labcorp
Classification: Uncertain significance. Last evaluated: 2022-10-04. Review status: criteria provided, single submitter. Criteria: Invitae Variant Classification Sherloc (09022015). Collection method: clinical testing. Allele origin: germline.
Comment: This sequence change replaces lysine, which is basic and polar, with glutamic acid, which is acidic and polar, at codon 998 of the CEP135 protein (p.Lys998Glu). This variant is present in population databases (rs200398340, gnomAD 0.003%). This variant has not been reported in the literature in individuals affected with CEP135-related conditions. ClinVar contains an entry for this variant (Variation ID: 1442499). Algorithms developed to predict the effect of missense changes on protein structure and function are either unavailable or do not agree on the potential impact of this missense change (SIFT: "Tolerated"; PolyPhen-2: "Probably Damaging"; Align-GVGD: "Class C0"). In summary, the available evidence is currently insufficient to determine the role of this variant in disease. Therefore, it has been classified as a Variant of Uncertain Significance.